The following is an entry in ClinVar:

ClinVar aggregate classification (germline): Pathogenic/Likely pathogenic. Review status: criteria provided, multiple submitters, no conflicts (2 of 4 stars). 2 submissions from 2 submitters: Pathogenic (1); Likely pathogenic (1). Last evaluated 2025-04-28.

Conditions:
Emery-Dreifuss muscular dystrophy 4, autosomal dominant (EDMD4). Also called: EMERY-DREIFUSS MUSCULAR DYSTROPHY 4 WITH VARIABLE FEATURES. Identifiers: Orphanet 261, MedGen C2751807, MONDO:0013071, OMIM 612998.
Autosomal recessive ataxia, Beauce type. Also called: SYNE1 Deficiency; Spinocerebellar ataxia, autosomal recessive 8; ATAXIA, RECESSIVE, OF BEAUCE; SYNE1-Related Autosomal Recessive Cerebellar Ataxia. Identifiers: Orphanet 88644, MedGen C1853116, MONDO:0012549, OMIM 610743.

gnomAD v4.1: 7 of 1,613,838 alleles (0.00043%); highest among the groups gnomAD compares: Admixed American, 0.012%; no homozygotes.

Submissions (2):

Labcorp Genetics (formerly Invitae), Labcorp
Classification: Pathogenic for Emery-Dreifuss muscular dystrophy 4, autosomal dominant; Autosomal recessive ataxia, Beauce type. Last evaluated: 2025-04-28. Review status: criteria provided, single submitter. Criteria: Invitae Variant Classification Sherloc (09022015). Collection method: clinical testing. Allele origin: germline.
Comment: This sequence change creates a premature translational stop signal (p.Leu2571*) in the SYNE1 gene. It is expected to result in an absent or disrupted protein product. Loss-of-function variants in SYNE1 are known to be pathogenic (PMID: 19542096, 24319099, 27086870). This variant is present in population databases (rs778686915, gnomAD 0.02%). This variant has not been reported in the literature in individuals affected with SYNE1-related conditions. ClinVar contains an entry for this variant (Variation ID: 1981783). For these reasons, this variant has been classified as Pathogenic.

Athena Diagnostics
Classification: Likely pathogenic. Last evaluated: 2024-12-13. Review status: criteria provided, single submitter. Criteria: Athena Diagnostics Criteria. Collection method: clinical testing. Allele origin: unknown.
Comment: This variant is expected to result in the loss of a functional protein. The frequency of this variant in the general population is consistent with pathogenicity.

Literature cited by the submitters: PubMed 19542096 (cited by Labcorp Genetics (formerly Invitae), Labcorp); PubMed 24319099 (cited by Labcorp Genetics (formerly Invitae), Labcorp); PubMed 27086870 (cited by Labcorp Genetics (formerly Invitae), Labcorp).

NM_182961.4(SYNE1):c.7691T>A (p.Leu2564Ter)

Gene: SYNE1 (spectrin repeat containing nuclear envelope protein 1; minus strand). Cytogenetic location: 6q25.2.
Variant type: single nucleotide variant.
Coding change: c.7691T>A on transcript NM_182961.4 (MANE Select); coding-DNA position 7691, T replaced by A.
Protein change: p.Leu2564Ter; replaces leucine 2564 with a stop codon.
Molecular consequence: nonsense.
Genome position (GRCh38, 1-based): chr6:152,395,537, A>T on the plus strand (T>A on the coding strand, the complement: SYNE1 is on the minus strand). VCF-style: chr6-152395537-A-T. GRCh37 (hg19) VCF-style: chr6-152716672-A-T.
Other names: c.7691T>A (NM_182961.2); c.7712T>A, p.Leu2571Ter (NM_033071.5); short protein forms L2571*, L2564*.
Identifiers: ClinVar variation 1981783 (VCV001981783.5), dbSNP rs778686915, ClinGen allele CA4057758.
Genomic context (GRCh38, chr6:152,395,537, plus strand): 5'-GGTAAGAGGTAAAGGACCTGTTCCATTTCTGGACCATACCTTGCAGCCAGCAGTTCTCCC[A>T]AAAACATTTCAACTTTATGAACTTCATTTTTCTTCTCAGGAATGTGCTGTTTACTCTCTC-3'